The following is an entry in ClinVar:

ClinVar aggregate classification (germline): Uncertain significance (1 of 4 stars; one submission).

Allele frequency attached by ClinVar (database versions not stated): gnomAD exomes below 0.00001.
gnomAD v4.1: 1 of 1,614,094 alleles (0.000062%); highest among the groups gnomAD compares: East Asian, 0.0022%; no homozygotes.

Submission:

Labcorp Genetics (formerly Invitae), Labcorp
Classification: Uncertain significance. Last evaluated: 2022-03-09. Review status: criteria provided, single submitter. Criteria: Invitae Variant Classification Sherloc (09022015). Collection method: clinical testing. Allele origin: germline.
Comment: Advanced modeling of protein sequence and biophysical properties (such as structural, functional, and spatial information, amino acid conservation, physicochemical variation, residue mobility, and thermodynamic stability) performed at Invitae indicates that this missense variant is expected to disrupt COL9A1 protein function. This sequence change replaces glycine, which is neutral and non-polar, with alanine, which is neutral and non-polar, at codon 616 of the COL9A1 protein (p.Gly616Ala). This variant is not present in population databases (gnomAD no frequency). This variant has not been reported in the literature in individuals affected with COL9A1-related conditions. ClinVar contains an entry for this variant (Variation ID: 959069). In summary, the available evidence is currently insufficient to determine the role of this variant in disease. Therefore, it has been classified as a Variant of Uncertain Significance.

NM_001851.6(COL9A1):c.1847G>C (p.Gly616Ala)

Gene: COL9A1 (collagen type IX alpha 1 chain; minus strand). Cytogenetic location: 6q13.
Variant type: single nucleotide variant.
Coding change: c.1847G>C on transcript NM_001851.6 (MANE Select); coding-DNA position 1847, G replaced by C.
Protein change: p.Gly616Ala; replaces glycine 616 with alanine.
Molecular consequence: missense variant. On other transcripts: non-coding transcript variant (1).
Genome position (GRCh38, 1-based): chr6:70,252,145, C>G on the plus strand (G>C on the coding strand, the complement: COL9A1 is on the minus strand). VCF-style: chr6-70252145-C-G. GRCh37 (hg19) VCF-style: chr6-70961848-C-G.
Other names: c.1148G>C, p.Gly383Ala (NM_001377289.1); c.1118G>C, p.Gly373Ala (NM_001377290.1, NM_078485.4); short protein forms G373A, G383A, G616A.
Identifiers: ClinVar variation 959069 (VCV000959069.9), dbSNP rs1562303379, ClinGen allele CA364677084.